The following is an entry in ClinVar:

ClinVar aggregate classification (germline): Uncertain significance. Review status: criteria provided, multiple submitters, no conflicts (2 of 4 stars). 4 submissions from 3 submitters: Uncertain significance (4). Last evaluated 2022-06-05.

Conditions:
Leigh syndrome (NULS). Also called: Leigh Disease; Subacute necrotizing encephalopathy; Leigh Syndrome (mtDNA deletion); Leigh's syndrome; Leigh's necrotizing encephalopathy; Leigh's disease. Identifiers: Orphanet 506, MedGen C2931891, MONDO:0009723, OMIM 256000.
Mitochondrial complex I deficiency, nuclear type 1. Also called: NADH-COENZYME Q REDUCTASE DEFICIENCY; MITOCHONDRIAL NADH DEHYDROGENASE COMPONENT OF COMPLEX I, DEFICIENCY OF. Identifiers: MedGen C6022305, MONDO:0100224, OMIM 252010.

Allele frequency attached by ClinVar (database versions not stated): gnomAD exomes 0.00001 and below 0.00001; gnomAD 0.00001.
gnomAD v4.1: 8 of 1,610,128 alleles (0.0005%); highest among the groups gnomAD compares: East Asian, 0.0067%; no homozygotes.

Submissions (4):

Labcorp Genetics (formerly Invitae), Labcorp
Classification: Uncertain significance. Last evaluated: 2022-06-05. Review status: criteria provided, single submitter. Criteria: Invitae Variant Classification Sherloc (09022015). Collection method: clinical testing. Allele origin: germline.
Comment: This sequence change replaces histidine, which is basic and polar, with tyrosine, which is neutral and polar, at codon 329 of the NDUFA10 protein (p.His329Tyr). In summary, the available evidence is currently insufficient to determine the role of this variant in disease. Therefore, it has been classified as a Variant of Uncertain Significance. Algorithms developed to predict the effect of missense changes on protein structure and function (SIFT, PolyPhen-2, Align-GVGD) all suggest that this variant is likely to be tolerated. ClinVar contains an entry for this variant (Variation ID: 898749). This variant has not been reported in the literature in individuals affected with NDUFA10-related conditions. This variant is present in population databases (no rsID available, gnomAD 0.009%).

GeneDx
Classification: Uncertain significance. Last evaluated: 2022-04-21. Review status: criteria provided, single submitter. Criteria: GeneDx Variant Classification Process June 2021. Collection method: clinical testing. Allele origin: germline. Affected: yes.
Comment: Not observed at significant frequency in large population cohorts (gnomAD); In silico analysis supports that this missense variant does not alter protein structure/function; Has not been previously published as pathogenic or benign to our knowledge

Illumina Laboratory Services, Illumina
Classification: Uncertain significance for Mitochondrial complex I deficiency, nuclear type 1. Last evaluated: 2018-01-13. Review status: criteria provided, single submitter. Criteria: ICSL Variant Classification Criteria 13 December 2019. Collection method: clinical testing. Allele origin: germline.

Illumina Laboratory Services, Illumina
Classification: Uncertain significance for Leigh syndrome. Last evaluated: 2018-01-13. Review status: criteria provided, single submitter. Criteria: ICSL Variant Classification Criteria 13 December 2019. Collection method: clinical testing. Allele origin: germline.

NM_004544.4(NDUFA10):c.985C>T (p.His329Tyr)

Gene: NDUFA10 (NADH:ubiquinone oxidoreductase subunit A10; minus strand). Cytogenetic location: 2q37.3.
Variant type: single nucleotide variant.
Coding change: c.985C>T on transcript NM_004544.4 (MANE Select); coding-DNA position 985, C replaced by T.
Protein change: p.His329Tyr; replaces histidine 329 with tyrosine.
Molecular consequence: missense variant. On other transcripts: non-coding transcript variant (2), intron variant (1).
Genome position (GRCh38, 1-based): chr2:239,990,088, G>A on the plus strand (C>T on the coding strand, the complement: NDUFA10 is on the minus strand). VCF-style: chr2-239990088-G-A. GRCh37 (hg19) VCF-style: chr2-240929505-G-A.
Other names: c.985C>T, p.His329Tyr (NM_001322019.2); c.890+15122C>T (NM_001322020.2); short protein forms H329Y.
Identifiers: ClinVar variation 898749 (VCV000898749.10), dbSNP rs1188020120, ClinGen allele CA351270320.